The following is an entry in ClinVar:

NM_005188.4(CBL):c.1675C>G (p.Arg559Gly)

Gene: CBL (Cbl proto-oncogene; plus strand). Cytogenetic location: 11q23.3.
Variant type: single nucleotide variant.
Coding change: c.1675C>G on transcript NM_005188.4 (MANE Select); coding-DNA position 1675, C replaced by G.
Protein change: p.Arg559Gly; replaces arginine 559 with glycine.
Molecular consequence: missense variant.
Genome position (GRCh38, 1-based): chr11:119,285,300, C>G. VCF-style: chr11-119285300-C-G. GRCh37 (hg19) VCF-style: chr11-119156010-C-G.
Other names: c.1675C>G (NM_005188.2); short protein forms R559G.
Identifiers: ClinVar variation 846057 (VCV000846057.8), dbSNP rs779425249, ClinGen allele CA6318584.

ClinVar aggregate classification (germline): Uncertain significance. Review status: criteria provided, multiple submitters, no conflicts (2 of 4 stars). 2 submissions from 2 submitters: Uncertain significance (2). Last evaluated 2025-10-09.

Conditions:
Cardiovascular phenotype. Identifiers: MedGen CN230736.
RASopathy. Also called: Noonan spectrum disorder; rasopathies. Identifiers: Orphanet 536391, MedGen C5555857, MONDO:0021060.

gnomAD v4.1: 7 of 1,614,150 alleles (0.00043%); highest among the groups gnomAD compares: Admixed American, 0.0017%; no homozygotes.

Submissions (2):

Labcorp Genetics (formerly Invitae), Labcorp
Classification: Uncertain significance for RASopathy. Last evaluated: 2025-10-09. Review status: criteria provided, single submitter. Criteria: Invitae Variant Classification Sherloc (09022015). Collection method: clinical testing. Allele origin: germline.
Comment: This sequence change replaces arginine, which is basic and polar, with glycine, which is neutral and non-polar, at codon 559 of the CBL protein (p.Arg559Gly). This variant is present in population databases (rs779425249, gnomAD 0.0009%). This variant has not been reported in the literature in individuals affected with CBL-related conditions. ClinVar contains an entry for this variant (Variation ID: 846057). Invitae Evidence Modeling of protein sequence and biophysical properties (such as structural, functional, and spatial information, amino acid conservation, physicochemical variation, residue mobility, and thermodynamic stability) indicates that this missense variant is not expected to disrupt CBL protein function with a negative predictive value of 95%. In summary, the available evidence is currently insufficient to determine the role of this variant in disease. Therefore, it has been classified as a Variant of Uncertain Significance.

Ambry Genetics
Classification: Uncertain significance for Cardiovascular phenotype. Last evaluated: 2024-09-17. Review status: criteria provided, single submitter. Criteria: Ambry Variant Classification Scheme 2023. Collection method: clinical testing. Allele origin: germline.
Comment: The p.R559G variant (also known as c.1675C>G), located in coding exon 11 of the CBL gene, results from a C to G substitution at nucleotide position 1675. The arginine at codon 559 is replaced by glycine, an amino acid with dissimilar properties. This amino acid position is conserved. In addition, this alteration is predicted to be deleterious by in silico analysis. Based on the available evidence, the clinical significance of this variant remains unclear.